The following is an entry in ClinVar:

ClinVar aggregate classification (germline): Benign/Likely benign. Review status: criteria provided, multiple submitters, no conflicts (2 of 4 stars). 3 submissions from 2 submitters: Benign (2); Likely benign (1). Last evaluated 2018-12-22.

Conditions:
Usher syndrome type 2D. Also called: USHER SYNDROME, TYPE IID. Identifiers: Orphanet 231178, Orphanet 886, MedGen C1568249, MONDO:0012662, OMIM 611383.
Autosomal recessive nonsyndromic hearing loss 31. Also called: WHIRLER, MOUSE, HOMOLOG OF. Identifiers: Orphanet 90636, MedGen C1846839, MONDO:0011767, OMIM 607084.

Allele frequency attached by ClinVar (database versions not stated): gnomAD exomes 0.00275; gnomAD 0.02716 and 0.02919; TOPMed 0.02934; 1000 Genomes Project 0.03075; 1000 Genomes Project 30x 0.03373.
gnomAD v4.1: 5,029 of 454,244 alleles (1.1%); highest among the groups gnomAD compares: African/African-American, 9.4%; 206 homozygotes.

Submissions (4):

GeneDx
Classification: Benign. Last evaluated: 2018-12-22. Review status: criteria provided, single submitter. Criteria: GeneDx Variant Classification Process June 2021. Collection method: clinical testing. Allele origin: germline. Affected: yes.

Illumina Laboratory Services, Illumina
Classification: Benign for Usher syndrome type 2D. Last evaluated: 2018-01-13. Review status: criteria provided, single submitter. Criteria: ICSL Variant Classification Criteria 13 December 2019. Collection method: clinical testing. Allele origin: germline.
Comment: This variant was observed in the ICSL laboratory as part of a predisposition screen in an ostensibly healthy population. It had not been previously curated by ICSL or reported in the Human Gene Mutation Database (HGMD: prior to June 1st, 2018), and was therefore a candidate for classification through an automated scoring system. Utilizing variant allele frequency, disease prevalence and penetrance estimates, and inheritance mode, an automated score was calculated to assess if this variant is too frequent to cause the disease. Based on the score and internal cut-off values, a variant classified as benign is not then subjected to further curation. The score for this variant resulted in a classification of benign for this disease.

Illumina Laboratory Services, Illumina
Classification: Likely benign for Autosomal recessive nonsyndromic hearing loss 31. Last evaluated: 2018-01-13. Review status: criteria provided, single submitter. Criteria: ICSL Variant Classification Criteria 13 December 2019. Collection method: clinical testing. Allele origin: germline.
Comment: This variant was observed in the ICSL laboratory as part of a predisposition screen in an ostensibly healthy population. It had not been previously curated by ICSL or reported in the Human Gene Mutation Database (HGMD: prior to June 1st, 2018), and was therefore a candidate for classification through an automated scoring system. Utilizing variant allele frequency, disease prevalence and penetrance estimates, and inheritance mode, an automated score was calculated to assess if this variant is too frequent to cause the disease. Based on the score and internal cut-off values, a variant classified as likely benign is not then subjected to further curation. The score for this variant resulted in a classification of likely benign for this disease.

Dr. Peter K. Rogan Lab, Western University
No classification provided (evidence only). Condition: Ovarian serous cystadenocarcinoma. Review status: no classification provided. Collection method: in vitro. Allele origin: not applicable. Functional consequence: retained intron. Not counted in ClinVar's aggregate classification.

NM_015404.4(WHRN):c.-257C>G

Gene: WHRN (whirlin; minus strand). Cytogenetic location: 9q32.
Variant type: single nucleotide variant.
Coding change: c.-257C>G on transcript NM_015404.4 (MANE Select); 257 bases upstream of the start codon, C replaced by G.
Molecular consequence: 5 prime UTR variant.
Genome position (GRCh38, 1-based): chr9:114,505,058, G>C on the plus strand (C>G on the coding strand, the complement: WHRN is on the minus strand). VCF-style: chr9-114505058-G-C. GRCh37 (hg19) VCF-style: chr9-117267338-G-C.
Other names: NC_000009.11:g.117267338G>C; c.-257C>G (NM_001173425.2).
Identifiers: ClinVar variation 364701 (VCV000364701.7), dbSNP rs73555447, ClinGen allele CA10628850.